The following is an entry in ClinVar:

NM_153676.4(USH1C):c.1234G>A (p.Asp412Asn)

Gene: USH1C (USH1 protein network component harmonin; minus strand). Cytogenetic location: 11p15.1.
Variant type: single nucleotide variant.
Coding change: c.1234G>A on transcript NM_153676.4 (MANE Select); coding-DNA position 1234, G replaced by A.
Protein change: p.Asp412Asn; replaces aspartic acid 412 with asparagine.
Molecular consequence: missense variant. On other transcripts: intron variant (2).
Genome position (GRCh38, 1-based): chr11:17,516,267, C>T on the plus strand (G>A on the coding strand, the complement: USH1C is on the minus strand). VCF-style: chr11-17516267-C-T. GRCh37 (hg19) VCF-style: chr11-17537814-C-T.
Other names: c.1227+1134G>A (NM_001297764.2); c.1284+1134G>A (NM_005709.4); short protein forms D412N.
Identifiers: ClinVar variation 166385 (VCV000166385.13), dbSNP rs727503712, ClinGen allele CA179482.

ClinVar aggregate classification (germline): Conflicting classifications of pathogenicity. Review status: criteria provided, conflicting classifications (1 of 4 stars). 2 submissions from 2 submitters: Uncertain significance (1); Likely benign (1). Last evaluated 2021-09-09.

Allele frequency attached by ClinVar (database versions not stated): gnomAD exomes 0.00003; ExAC 0.00004; TOPMed 0.00004; gnomAD 0.00005.

Submissions (2):

Labcorp Genetics (formerly Invitae), Labcorp
Classification: Likely benign. Last evaluated: 2021-09-09. Review status: criteria provided, single submitter. Criteria: Invitae Variant Classification Sherloc (09022015). Collection method: clinical testing. Allele origin: germline.

Laboratory for Molecular Medicine, Mass General Brigham Personalized Medicine
Classification: Uncertain significance. Last evaluated: 2013-11-06. Review status: criteria provided, single submitter. Criteria: LMM Criteria. Collection method: clinical testing. Allele origin: germline. Observed: 1 variant allele.
Comment: Variant classified as Uncertain Significance - Favor Benign. The Asp412Asn varia nt in USH1C has not been previously reported in individuals with hearing loss or in large population studies. Computational analyses (biochemical amino acid pro perties, conservation, AlignGVGD, PolyPhen2, and SIFT) suggest that the Asp412As n variant may not impact the protein, though this information is not predictive enough to rule out pathogenicity. In summary, the clinical significance of this variant cannot be determined with certainty; however based upon the computationa l data, we would lean towards a more likely benign role.